The following is an entry in ClinVar:

NM_000368.5(TSC1):c.1430A>C (p.Lys477Thr)

Gene: TSC1 (TSC complex subunit 1; minus strand). Cytogenetic location: 9q34.13.
Variant type: single nucleotide variant.
Coding change: c.1430A>C on transcript NM_000368.5 (MANE Select); coding-DNA position 1430, A replaced by C.
Protein change: p.Lys477Thr; replaces lysine 477 with threonine.
Molecular consequence: missense variant.
Genome position (GRCh38, 1-based): chr9:132,906,739, T>G on the plus strand (A>C on the coding strand, the complement: TSC1 is on the minus strand). VCF-style: chr9-132906739-T-G. GRCh37 (hg19) VCF-style: chr9-135782126-T-G.
Other names: c.1427A>C, p.Lys476Thr (NM_001162426.2); c.1277A>C, p.Lys426Thr (NM_001162427.2); c.1067A>C, p.Lys356Thr (NM_001362177.2); short protein forms K477T, K356T, K476T, K426T.
Identifiers: ClinVar variation 466028 (VCV000466028.18), dbSNP rs1554816213, ClinGen allele CA375365773.
Genomic context (GRCh38, chr9:132,906,739, plus strand): 5'-AGCAGAGCGAGGGTCAGGTTTTATCAACTCATAGCAATCCCACATACATTACCTTCTTCT[T>G]TATCTTTTTCAATACTATCTTCTTCAGAGGCCAGATCACCTAAAAACCCTGGAAGATCAC-3'
Protein context (NP_000359.1, residues 467-487): ASEEDSIEKD[Lys477Thr]EEAAISRELS

ClinVar aggregate classification (germline): Conflicting classifications of pathogenicity. Review status: criteria provided, conflicting classifications (1 of 4 stars). 6 submissions from 6 submitters: Uncertain significance (5); Benign (1). Last evaluated 2025-09-21.

Conditions:
Hereditary cancer-predisposing syndrome. Also called: Hereditary neoplastic syndrome; Neoplastic Syndromes, Hereditary; Tumor predisposition; Hereditary Cancer Syndrome. Identifiers: Orphanet 140162, MedGen C0027672, MeSH D009386, MONDO:0015356.
Tuberous sclerosis 1 (TSC1). Identifiers: Orphanet 805, MedGen C1854465, MONDO:0008612, OMIM 191100.
Tuberous sclerosis syndrome (TSC). Also called: Tuberous Sclerosis Complex; Tuberous sclerosis. Identifiers: Orphanet 805, MedGen C0041341, MONDO:0001734.
Isolated focal cortical dysplasia type II (FCORD2). Also called: CORTICAL DYSPLASIA OF TAYLOR; Focal cortical dysplasia type II. Identifiers: Orphanet 268994, MedGen C1846385, MONDO:0011818, OMIM 607341, HP:0032051.

gnomAD v4.1: 5 of 1,613,658 alleles (0.00031%); highest among the groups gnomAD compares: Non-Finnish European, 0.00034%; no homozygotes.

Submissions (6):

Labcorp Genetics (formerly Invitae), Labcorp
Classification: Benign for Tuberous sclerosis 1. Last evaluated: 2025-09-21. Review status: criteria provided, single submitter. Criteria: Invitae Variant Classification Sherloc (09022015). Collection method: clinical testing. Allele origin: germline.

GeneDx
Classification: Uncertain significance. Last evaluated: 2025-04-15. Review status: criteria provided, single submitter. Criteria: GeneDx Variant Classification Process June 2021. Collection method: clinical testing. Allele origin: germline. Affected: yes.
Comment: Not observed at significant frequency in large population cohorts (gnomAD); In silico analysis indicates that this missense variant does not alter protein structure/function; Has not been previously published as pathogenic or benign to our knowledge

Ambry Genetics
Classification: Uncertain significance for Hereditary cancer-predisposing syndrome. Last evaluated: 2025-01-31. Review status: criteria provided, single submitter. Criteria: Ambry Variant Classification Scheme 2023. Collection method: clinical testing. Allele origin: germline.
Comment: The p.K477T variant (also known as c.1430A>C), located in coding exon 12 of the TSC1 gene, results from an A to C substitution at nucleotide position 1430. The lysine at codon 477 is replaced by threonine, an amino acid with similar properties. This amino acid position is not well conserved in available vertebrate species. In addition, the in silico prediction for this alteration is inconclusive. Based on the available evidence, the clinical significance of this variant remains unclear.

All of Us Research Program, National Institutes of Health
Classification: Uncertain significance for Tuberous sclerosis syndrome. Last evaluated: 2024-09-11. Review status: criteria provided, single submitter. Criteria: ACMG Guidelines, 2015. Collection method: clinical testing. Allele origin: germline. Inheritance: Autosomal dominant inheritance. Observed: 2 variant alleles, 2 heterozygotes.
Comment: This missense variant replaces lysine with threonine at codon 477 of the TSC1 protein. Computational prediction suggests that this variant may not impact protein structure and function (internally defined REVEL score threshold <= 0.5, PMID: 27666373). To our knowledge, functional studies have not been reported for this variant. This variant has not been reported in individuals affected with TSC1-related disorders in the literature. This variant has not been identified in the general population by the Genome Aggregation Database (gnomAD). The available evidence is insufficient to determine the role of this variant in disease conclusively. Therefore, this variant is classified as a Variant of Uncertain Significance.

This study involves interpretation of variants in research participants for the purpose of population health screening. Participant phenotype was not available at the time of variant classification. Additional details can be found in publication PMID: 35346344, PMCID: PMC8962531

Color Diagnostics, LLC DBA Color Health
Classification: Uncertain significance for Tuberous sclerosis syndrome. Last evaluated: 2024-01-31. Review status: criteria provided, single submitter. Criteria: ACMG Guidelines, 2015. Collection method: clinical testing. Allele origin: germline.
Comment: This missense variant replaces lysine with threonine at codon 477 of the TSC1 protein. Computational prediction suggests that this variant may not impact protein structure and function. To our knowledge, functional studies have not been reported for this variant. This variant has not been reported in individuals affected with TSC1-related disorders in the literature. This variant has not been identified in the general population by the Genome Aggregation Database (gnomAD). The available evidence is insufficient to determine the role of this variant in disease conclusively. Therefore, this variant is classified as a Variant of Uncertain Significance.

Baylor Genetics
Classification: Uncertain significance for Isolated focal cortical dysplasia type II. Last evaluated: 2023-08-06. Review status: criteria provided, single submitter. Criteria: ACMG Guidelines, 2015. Collection method: clinical testing. Allele origin: unknown.